The following is an entry in ClinVar:

NM_016239.4(MYO15A):c.7665C>T (p.Ser2555=)

Gene: MYO15A (myosin XVA; plus strand). Cytogenetic location: 17p11.2.
Variant type: single nucleotide variant.
Coding change: c.7665C>T on transcript NM_016239.4 (MANE Select); coding-DNA position 7665, C replaced by T.
Protein change: p.Ser2555=; no amino-acid change (serine 2555 retained).
Molecular consequence: synonymous variant.
Genome position (GRCh38, 1-based): chr17:18,151,405, C>T. VCF-style: chr17-18151405-C-T. GRCh37 (hg19) VCF-style: chr17-18054719-C-T.
Identifiers: ClinVar variation 164550 (VCV000164550.11), dbSNP rs183834387, ClinGen allele CA177250.

ClinVar aggregate classification (germline): Conflicting classifications of pathogenicity. Review status: criteria provided, conflicting classifications (1 of 4 stars). 5 submissions from 5 submitters: Uncertain significance (1); Benign (1); Likely benign (3). Last evaluated 2026-06-21.

Conditions:
MYO15A-related disorder. Also called: MYO15A-related condition.

Allele frequency attached by ClinVar (database versions not stated): ExAC 0.00003; gnomAD exomes 0.00004 and 0.00011; TOPMed 0.00037; gnomAD 0.00045 and 0.00047; 1000 Genomes Project 0.00060; 1000 Genomes Project 30x 0.00078.
gnomAD v4.1: 129 of 1,614,214 alleles (0.008%); highest among the groups gnomAD compares: Admixed American, 0.17%; 1 homozygote.

Submissions (5):

PreventionGenetics, part of Exact Sciences
Classification: Likely benign for MYO15A-related condition. Last evaluated: 2026-06-21. Review status: criteria provided, single submitter. Criteria: ACMG Guidelines, 2015. Collection method: clinical testing. Allele origin: germline.
Comment: This variant is classified as likely benign based on ACMG/AMP sequence variant interpretation guidelines (Richards et al. 2015 PMID: 25741868, with internal and published modifications).

Labcorp Genetics (formerly Invitae), Labcorp
Classification: Benign. Last evaluated: 2025-07-27. Review status: criteria provided, single submitter. Criteria: Invitae Variant Classification Sherloc (09022015). Collection method: clinical testing. Allele origin: germline.

Blueprint Genetics
Classification: Likely benign. Last evaluated: 2024-10-21. Review status: criteria provided, single submitter. Criteria: ACMG Guidelines, 2015. Collection method: clinical testing. Allele origin: germline.

GeneDx
Classification: Uncertain significance. Last evaluated: 2022-01-10. Review status: criteria provided, single submitter. Criteria: GeneDx Variant Classification Process June 2021. Collection method: clinical testing. Allele origin: germline. Affected: yes.
Comment: In silico analysis supports that this variant does not alter splicing; Has not been previously published as pathogenic or benign to our knowledge

Laboratory for Molecular Medicine, Mass General Brigham Personalized Medicine
Classification: Likely benign. Last evaluated: 2013-09-11. Review status: criteria provided, single submitter. Criteria: LMM Criteria. Collection method: clinical testing. Allele origin: germline. Observed: 1 variant allele.
Comment: Ser2555Ser in Exon 40 of MYO15A: This variant is not expected to have clinical s ignificance because it does not alter an amino acid residue and is not located i n the splice consensus sequence. It has been identified in 1/120 Columbian chrom osomes by the 1000 Genome Project (dbSNP rs183834387).